The following is an entry in ClinVar:

NM_001312673.2(PCYT1A):c.708+1G>A

Gene: PCYT1A (phosphate cytidylyltransferase 1A, choline; minus strand). Cytogenetic location: 3q29.
Variant type: single nucleotide variant.
Coding change: c.708+1G>A on transcript NM_001312673.2 (MANE Select); the canonical splice donor site of the intron after coding-DNA position 708, G replaced by A.
Molecular consequence: splice donor variant.
Genome position (GRCh38, 1-based): chr3:196,241,947, C>T on the plus strand (G>A on the coding strand, the complement: PCYT1A is on the minus strand). VCF-style: chr3-196241947-C-T. GRCh37 (hg19) VCF-style: chr3-195968818-C-T.
Other names: c.708+1G>A (NM_005017.4).
Identifiers: ClinVar variation 4850444 (VCV004850444.1).

ClinVar aggregate classification (germline): Likely pathogenic (1 of 4 stars; one submission).

Conditions:
Spondylometaphyseal dysplasia-cone-rod dystrophy syndrome. Identifiers: Orphanet 85167, MedGen C1837073, MONDO:0012160, OMIM 608940.
Lipodystrophy, congenital generalized, type 5 (CGL5). Identifiers: MedGen C5882745, MONDO:0958023, OMIM 620680.

gnomAD v4.1: 2 of 1,614,170 alleles (0.00012%); highest among the groups gnomAD compares: South Asian, 0.0011%; no homozygotes.

Submission:

First Genomix Gene Laboratory, Genetic Diagnostics Department
Classification: Likely pathogenic for Spondylometaphyseal dysplasia-cone-rod dystrophy syndrome; Lipodystrophy, congenital generalized, type 5. Last evaluated: 2025-09-24. Review status: criteria provided, single submitter. Criteria: ACMG Guidelines, 2015. Collection method: clinical testing. Allele origin: germline. Inheritance: Autosomal recessive inheritance. Affected: no. Observed: 1 variant allele.